The following is an entry in ClinVar:

ClinVar aggregate classification (germline): Uncertain significance. Review status: criteria provided, single submitter (1 of 4 stars). 3 submissions from 3 submitters: Uncertain significance (1). 2 of the submissions do not count toward it. Last evaluated 2026-02-06.

Conditions:
Charcot-Marie-Tooth disease axonal type 2K (CMT2K). Also called: Charcot-Marie-Tooth disease type 2K; CHARCOT-MARIE-TOOTH DISEASE, AXONAL, AUTOSOMAL RECESSIVE, TYPE 2K; CHARCOT-MARIE-TOOTH NEUROPATHY, AXONAL, TYPE 2K. Identifiers: Orphanet 101097, Orphanet 99944, MedGen C1842983, MONDO:0011916, OMIM 607831.
Charcot-Marie-Tooth disease. Also called: Charcot-Marie-Tooth Hereditary Neuropathy; Charcot-Marie-Tooth Neuropathy. Identifiers: Orphanet 166, MedGen C0007959, MONDO:0015626.

Submissions (3):

Athena Diagnostics
Classification: Uncertain significance. Last evaluated: 2026-02-06. Review status: criteria provided, single submitter. Criteria: Athena Diagnostics Criteria. Collection method: clinical testing. Allele origin: germline.
Comment: Available data are insufficient to determine the clinical significance of the variant at this time. This variant has not been reported in large, multi-ethnic general populations. This variant is not expected to cause loss of protein expression through nonsense-mediated decay. However, it may still disrupt protein function. Computational tools yielded predictions that this variant is unlikely to have an effect on normal RNA splicing.

Inherited Neuropathy Consortium Ii, University Of Miami
Classification: Uncertain significance for Charcot-Marie-Tooth disease axonal type 2K. Last evaluated: 2016-01-06. Review status: no assertion criteria provided. Collection method: literature only. Allele origin: germline. Affected: yes. Not counted in ClinVar's aggregate classification.

Inherited Neuropathy Consortium
Classification: Pathogenic for Charcot-Marie-Tooth disease. Review status: no assertion criteria provided. Collection method: literature only. Allele origin: germline. Affected: yes. Not counted in ClinVar's aggregate classification.

Literature cited by the submitters: PubMed 25614874 (cited by 3 submitters); PubMed 37737258 (cited by Athena Diagnostics).

NM_018972.4(GDAP1):c.928del (p.Arg310fs)

Gene: GDAP1 (ganglioside induced differentiation associated protein 1; plus strand). Cytogenetic location: 8q21.11.
Variant type: Deletion.
Coding change: c.928del on transcript NM_018972.4 (MANE Select); coding-DNA position 928, one base deleted (C; older notation c.928delC).
Protein change: p.Arg310fs; shifts the reading frame from arginine 310.
Molecular consequence: frameshift variant. On other transcripts: intron variant (1).
Genome position (GRCh38, 1-based): chr8:74,364,218, C deleted; the last of 2 consecutive C bases (chr8:74,364,217-74,364,218); deleting either gives the same sequence. VCF-style (leftmost placement, unchanged base first): chr8-74364216-TC-T. GRCh37 (hg19) VCF-style: chr8-75276451-TC-T.
Other names: c.724del, p.Arg242fs (NM_001040875.4); c.601del, p.Arg201fs (NM_001362929.2, NM_001362932.2); c.754del, p.Arg252fs (NM_001362930.2); c.694+1165del (NM_001362931.2); c.928delC (NM_018972.2); c.928del (NM_018972.2); short protein forms R201fs, R252fs, R242fs, R310fs.
Identifiers: ClinVar variation 637555 (VCV000637555.3), dbSNP rs1586807541, ClinGen allele CA915945749.